The following is an entry in ClinVar:

NM_024529.5(CDC73):c.1166C>T (p.Ser389Leu)

Gene: CDC73 (cell division cycle 73; plus strand). Cytogenetic location: 1q31.2.
Variant type: single nucleotide variant.
Coding change: c.1166C>T on transcript NM_024529.5 (MANE Select); coding-DNA position 1166, C replaced by T.
Protein change: p.Ser389Leu; replaces serine 389 with leucine.
Molecular consequence: missense variant.
Genome position (GRCh38, 1-based): chr1:193,233,004, C>T. VCF-style: chr1-193233004-C-T. GRCh37 (hg19) VCF-style: chr1-193202134-C-T.
Other names: short protein forms S389L.
Identifiers: ClinVar variation 3369742 (VCV003369742.2).

ClinVar aggregate classification (germline): Uncertain significance. Review status: criteria provided, multiple submitters, no conflicts (2 of 4 stars). 2 submissions from 2 submitters: Uncertain significance (2). Last evaluated 2025-03-05.

Conditions:
Hereditary cancer-predisposing syndrome. Also called: Tumor predisposition; Neoplastic Syndromes, Hereditary; Hereditary neoplastic syndrome; Hereditary Cancer Syndrome. Identifiers: Orphanet 140162, MedGen C0027672, MeSH D009386, MONDO:0015356.

gnomAD v4.1: 2 of 1,613,242 alleles (0.00012%); highest among the groups gnomAD compares: Non-Finnish European, 0.00017%; no homozygotes.

Submissions (2):

Ambry Genetics
Classification: Uncertain significance for Hereditary cancer-predisposing syndrome. Last evaluated: 2025-03-05. Review status: criteria provided, single submitter. Criteria: Ambry Variant Classification Scheme 2023. Collection method: clinical testing. Allele origin: germline.
Comment: The p.S389L variant (also known as c.1166C>T), located in coding exon 14 of the CDC73 gene, results from a C to T substitution at nucleotide position 1166. The serine at codon 389 is replaced by leucine, an amino acid with dissimilar properties. This amino acid position is well conserved in available vertebrate species. In addition, the in silico prediction for this alteration is inconclusive. Based on the available evidence, the clinical significance of this variant remains unclear.

GeneDx
Classification: Uncertain significance. Last evaluated: 2024-02-25. Review status: criteria provided, single submitter. Criteria: GeneDx Variant Classification Process June 2021. Collection method: clinical testing. Allele origin: germline. Affected: yes.
Comment: Not observed at significant frequency in large population cohorts (gnomAD); In silico analysis supports that this missense variant has a deleterious effect on protein structure/function; Has not been previously published as pathogenic or benign to our knowledge; This variant is associated with the following publications: (PMID: 15923622, 15632063)